The following is an entry in ClinVar:

NM_001939.3(DRP2):c.122G>A (p.Arg41Lys)

Gene: DRP2 (dystrophin related protein 2; plus strand). Cytogenetic location: Xq22.1.
Variant type: single nucleotide variant.
Coding change: c.122G>A on transcript NM_001939.3 (MANE Select); coding-DNA position 122, G replaced by A.
Protein change: p.Arg41Lys; replaces arginine 41 with lysine.
Molecular consequence: missense variant. On other transcripts: 5 prime UTR variant (1).
Genome position (GRCh38, 1-based): chrX:101,235,864, G>A. VCF-style: chrX-101235864-G-A. GRCh37 (hg19) VCF-style: chrX-100490853-G-A.
Other names: c.-113G>A (NM_001171184.2); short protein forms R41K.
Identifiers: ClinVar variation 3621802 (VCV003621802.2).

ClinVar aggregate classification (germline): Uncertain significance (1 of 4 stars; one submission).

gnomAD v4.1: 1 of 1,207,279 alleles (0.000083%); highest among the groups gnomAD compares: Non-Finnish European, 0.00011%; no homozygotes.

Submission:

Labcorp Genetics (formerly Invitae), Labcorp
Classification: Uncertain significance. Last evaluated: 2024-12-08. Review status: criteria provided, single submitter. Criteria: Invitae Variant Classification Sherloc (09022015). Collection method: clinical testing. Allele origin: germline.
Comment: This sequence change replaces arginine, which is basic and polar, with lysine, which is basic and polar, at codon 41 of the DRP2 protein (p.Arg41Lys). This variant is present in population databases (no rsID available, gnomAD 0.001%). This variant has not been reported in the literature in individuals affected with DRP2-related conditions. Invitae Evidence Modeling of protein sequence and biophysical properties (such as structural, functional, and spatial information, amino acid conservation, physicochemical variation, residue mobility, and thermodynamic stability) indicates that this missense variant is expected to disrupt DRP2 protein function with a positive predictive value of 80%. In summary, the available evidence is currently insufficient to determine the role of this variant in disease. Therefore, it has been classified as a Variant of Uncertain Significance.